The following is an entry in ClinVar:

NM_004260.4(RECQL4):c.1869C>G (p.Arg623=)

Gene: RECQL4 (RecQ like helicase 4; minus strand). Cytogenetic location: 8q24.3.
Variant type: single nucleotide variant.
Coding change: c.1869C>G on transcript NM_004260.4 (MANE Select); coding-DNA position 1869, C replaced by G.
Protein change: p.Arg623=; no amino-acid change (arginine 623 retained).
Molecular consequence: synonymous variant.
Genome position (GRCh38, 1-based): chr8:144,514,198, G>C on the plus strand (C>G on the coding strand, the complement: RECQL4 is on the minus strand). VCF-style: chr8-144514198-G-C. GRCh37 (hg19) VCF-style: chr8-145739582-G-C.
Other names: c.1869C>G (NM_004260.3).
Identifiers: ClinVar variation 1145055 (VCV001145055.9), dbSNP rs368736533, ClinGen allele CA4948629.

ClinVar aggregate classification (germline): Likely benign. Review status: criteria provided, multiple submitters, no conflicts (2 of 4 stars). 3 submissions from 3 submitters: Likely benign (2). 1 of the submissions does not count toward it. Last evaluated 2025-06-01.

Conditions:
Inborn genetic diseases. Identifiers: MedGen C0950123, MeSH D030342.
RECQL4-related disorder. Also called: RECQL4-related condition; RECQL4-related disorders.
Baller-Gerold syndrome (BGS). Also called: CRANIOSYNOSTOSIS WITH RADIAL DEFECTS. Identifiers: Orphanet 1225, MedGen C0265308, MONDO:0009039, OMIM 218600.

gnomAD v4.1: 8 of 1,612,124 alleles (0.0005%); highest among the groups gnomAD compares: African/African-American, 0.0067%; no homozygotes.

Submissions (3):

Labcorp Genetics (formerly Invitae), Labcorp
Classification: Likely benign for Baller-Gerold syndrome. Last evaluated: 2025-06-01. Review status: criteria provided, single submitter. Criteria: Invitae Variant Classification Sherloc (09022015). Collection method: clinical testing. Allele origin: germline.

Ambry Genetics
Classification: Likely benign for Inborn genetic diseases. Last evaluated: 2024-12-02. Review status: criteria provided, single submitter. Criteria: Ambry Variant Classification Scheme 2023. Collection method: clinical testing. Allele origin: germline.

PreventionGenetics, part of Exact Sciences
Classification: Likely benign for RECQL4-related condition. Last evaluated: 2024-09-19. Review status: no assertion criteria provided. Collection method: clinical testing. Allele origin: germline. Not counted in ClinVar's aggregate classification.
Comment: This variant is classified as likely benign based on ACMG/AMP sequence variant interpretation guidelines (Richards et al. 2015 PMID: 25741868, with internal and published modifications).